The following is an entry in ClinVar:

NM_001037131.3(AGAP1):c.1155T>A (p.His385Gln)

Gene: AGAP1 (ArfGAP with GTPase domain, ankyrin repeat and PH domain 1; plus strand). Cytogenetic location: 2q37.2.
Variant type: single nucleotide variant.
Coding change: c.1155T>A on transcript NM_001037131.3 (MANE Select); coding-DNA position 1155, T replaced by A.
Protein change: p.His385Gln; replaces histidine 385 with glutamine.
Molecular consequence: missense variant.
Genome position (GRCh38, 1-based): chr2:235,883,449, T>A. VCF-style: chr2-235883449-T-A. GRCh37 (hg19) VCF-style: chr2-236792093-T-A.
Other names: c.1950T>A, p.His650Gln (NM_001436125.1, NM_001436126.1); c.1155T>A, p.His385Gln (NM_014914.5); short protein forms H385Q, H650Q.
Identifiers: ClinVar variation 4719883 (VCV004719883.1).

ClinVar aggregate classification (germline): Uncertain significance (1 of 4 stars; one submission).

Submission:

Labcorp Genetics (formerly Invitae), Labcorp
Classification: Uncertain significance. Last evaluated: 2025-05-27. Review status: criteria provided, single submitter. Criteria: Invitae Variant Classification Sherloc (09022015). Collection method: clinical testing. Allele origin: germline.
Comment: This sequence change replaces histidine, which is basic and polar, with glutamine, which is neutral and polar, at codon 385 of the AGAP1 protein (p.His385Gln). This variant is not present in population databases (gnomAD no frequency). This variant has not been reported in the literature in individuals affected with AGAP1-related conditions. An algorithm developed to predict the effect of missense changes on protein structure and function (PolyPhen-2) suggests that this variant is likely to be disruptive. In summary, the available evidence is currently insufficient to determine the role of this variant in disease. Therefore, it has been classified as a Variant of Uncertain Significance.